The following is an entry in ClinVar:

ClinVar aggregate classification (germline): Pathogenic (1 of 4 stars; one submission).

Conditions:
Lysosomal acid lipase deficiency. Also called: Acid cholesteryl ester hydrolase deficiency, type 2. Identifiers: Orphanet 275761, MedGen C5574740, MONDO:0800449, MONDO:0010204.

Submission:

Myriad Genetics, Inc.
Classification: Pathogenic for Lysosomal acid lipase deficiency. Last evaluated: 2025-01-06. Review status: criteria provided, single submitter. Criteria: Myriad Autosomal Dominant, Autosomal Recessive and X-Linked Classification Criteria (2023). Collection method: clinical testing. Allele origin: unknown.
Comment: NM_000235.2(LIPA):c.966+2T>G is a variant in a canonical splice site classified as pathogenic in the context of lysosomal acid lipase deficiency. c.966+2T>G has been observed in cases with relevant disease (PMID: 28220406, 29705274, 38918870). Relevant functional assessments of this variant are not available in the literature. c.966+2T>G has not been observed in referenced population frequency databases. In summary, NM_000235.2(LIPA):c.966+2T>G is a variant in a canonical splice site that has been observed more frequently in cases with the relevant disease than in healthy populations. Please note: this variant was assessed in the context of healthy population screening.

Literature cited by the submitters: PubMed 28220406; PubMed 29705274; PubMed 38918870.

NM_000235.4(LIPA):c.966+2T>G

Gene: LIPA (lipase A, lysosomal acid type; minus strand). Cytogenetic location: 10q23.31.
Variant type: single nucleotide variant.
Coding change: c.966+2T>G on transcript NM_000235.4 (MANE Select); the canonical splice donor site of the intron after coding-DNA position 966, T replaced by G.
Molecular consequence: splice donor variant.
Genome position (GRCh38, 1-based): chr10:89,215,936, A>C on the plus strand (T>G on the coding strand, the complement: LIPA is on the minus strand). VCF-style: chr10-89215936-A-C. GRCh37 (hg19) VCF-style: chr10-90975693-A-C.
Other names: c.798+2T>G (NM_001440839.1); c.966+2T>G (NM_001440819.1, NM_001440821.1, NM_001440824.1 and 16 more transcripts); c.981+2T>G (NM_001440838.1); c.1098+2T>G (NM_001440836.1); c.618+2T>G (NM_001288979.2); c.987+2T>G (NM_001440837.1).
Identifiers: ClinVar variation 4081719 (VCV004081719.1).